The following is an entry in ClinVar:

ClinVar aggregate classification (germline): Uncertain significance (1 of 4 stars; one submission).

Conditions:
Hereditary cancer-predisposing syndrome. Also called: Tumor predisposition; Neoplastic Syndromes, Hereditary; Hereditary neoplastic syndrome; Hereditary Cancer Syndrome. Identifiers: Orphanet 140162, MedGen C0027672, MeSH D009386, MONDO:0015356.

Submission:

Ambry Genetics
Classification: Uncertain significance for Hereditary cancer-predisposing syndrome. Last evaluated: 2024-08-30. Review status: criteria provided, single submitter. Criteria: Ambry Variant Classification Scheme 2023. Collection method: clinical testing. Allele origin: germline.
Comment: The p.W164G variant (also known as c.490T>G), located in coding exon 4 of the ATM gene, results from a T to G substitution at nucleotide position 490. The tryptophan at codon 164 is replaced by glycine, an amino acid with highly dissimilar properties. This amino acid position is highly conserved in available vertebrate species. In addition, this alteration is predicted to be deleterious by in silico analysis. Based on the available evidence, the clinical significance of this variant remains unclear.

NM_000051.4(ATM):c.490T>G (p.Trp164Gly)

Gene: ATM (ATM serine/threonine kinase; plus strand). Cytogenetic location: 11q22.3.
Variant type: single nucleotide variant.
Coding change: c.490T>G on transcript NM_000051.4 (MANE Select); coding-DNA position 490, T replaced by G.
Protein change: p.Trp164Gly; replaces tryptophan 164 with glycine.
Molecular consequence: missense variant.
Genome position (GRCh38, 1-based): chr11:108,235,828, T>G. VCF-style: chr11-108235828-T-G. GRCh37 (hg19) VCF-style: chr11-108106555-T-G.
Other names: c.490T>G, p.Trp164Gly (NM_001351834.2); short protein forms W164G.
Identifiers: ClinVar variation 3450641 (VCV003450641.1).